The following is an entry in ClinVar:

ClinVar aggregate classification (germline): Uncertain significance. Review status: criteria provided, multiple submitters, no conflicts (2 of 4 stars). 2 submissions from 2 submitters: Uncertain significance (2). Last evaluated 2025-04-15.

Conditions:
Inborn genetic diseases. Identifiers: MedGen C0950123, MeSH D030342.

Allele frequency attached by ClinVar (database versions not stated): gnomAD 0.00007; TOPMed 0.00010; ExAC 0.00001; gnomAD exomes 0.00001.
gnomAD v4.1: 25 of 1,613,956 alleles (0.0015%); highest among the groups gnomAD compares: African/African-American, 0.021%; no homozygotes.

Submissions (2):

Ambry Genetics
Classification: Uncertain significance for Inborn genetic diseases. Last evaluated: 2025-04-15. Review status: criteria provided, single submitter. Criteria: Ambry Variant Classification Scheme 2023. Collection method: clinical testing. Allele origin: germline.

Labcorp Genetics (formerly Invitae), Labcorp
Classification: Uncertain significance. Last evaluated: 2022-06-15. Review status: criteria provided, single submitter. Criteria: Invitae Variant Classification Sherloc (09022015). Collection method: clinical testing. Allele origin: germline.
Comment: This sequence change replaces serine, which is neutral and polar, with leucine, which is neutral and non-polar, at codon 877 of the HPS5 protein (p.Ser877Leu). This variant is present in population databases (rs750562402, gnomAD 0.01%). This variant has not been reported in the literature in individuals affected with HPS5-related conditions. Algorithms developed to predict the effect of missense changes on protein structure and function output the following: SIFT: "Tolerated"; PolyPhen-2: "Benign"; Align-GVGD: "Class C0". The leucine amino acid residue is found in multiple mammalian species, which suggests that this missense change does not adversely affect protein function. In summary, the available evidence is currently insufficient to determine the role of this variant in disease. Therefore, it has been classified as a Variant of Uncertain Significance.

NM_181507.2(HPS5):c.2630C>T (p.Ser877Leu)

Gene: HPS5 (HPS5 biogenesis of lysosomal organelles complex 2 subunit 2; minus strand). Cytogenetic location: 11p15.1.
Variant type: single nucleotide variant.
Coding change: c.2630C>T on transcript NM_181507.2 (MANE Select); coding-DNA position 2630, C replaced by T.
Protein change: p.Ser877Leu; replaces serine 877 with leucine.
Molecular consequence: missense variant.
Genome position (GRCh38, 1-based): chr11:18,287,622, G>A on the plus strand (C>T on the coding strand, the complement: HPS5 is on the minus strand). VCF-style: chr11-18287622-G-A. GRCh37 (hg19) VCF-style: chr11-18309169-G-A.
Other names: c.2288C>T, p.Ser763Leu (NM_007216.4, NM_181508.2); short protein forms S877L, S763L.
Identifiers: ClinVar variation 2184703 (VCV002184703.2), dbSNP rs750562402, ClinGen allele CA5909798.